The following is an entry in ClinVar:

NM_001351132.2(PEX5):c.147+27A>T

Gene: PEX5 (peroxisomal biogenesis factor 5; plus strand). Cytogenetic location: 12p13.31.
Variant type: single nucleotide variant.
Coding change: c.147+27A>T on transcript NM_001351132.2 (MANE Select); 27 bases into the intron after coding-DNA position 147, A replaced by T.
Molecular consequence: intron variant. On other transcripts: synonymous variant (3).
Genome position (GRCh38, 1-based): chr12:7,190,551, A>T. VCF-style: chr12-7190551-A-T. GRCh37 (hg19) VCF-style: chr12-7343147-A-T.
Other names: c.174A>T, p.Pro58= (NM_001131023.2, NM_001351135.3, NM_001351138.2); c.147+27A>T (NM_001351124.3, NM_001131026.2, NM_001351131.2 and 19 more transcripts).
Identifiers: ClinVar variation 4995571 (VCV004995571.1).

ClinVar aggregate classification (germline): Likely benign (1 of 4 stars; one submission).

Conditions:
PEX5-related disorder. Also called: PEX5-Related Disorders; PEX5-related condition.

Submission:

PreventionGenetics, part of Exact Sciences
Classification: Likely benign for PEX5-related condition. Last evaluated: 2025-10-02. Review status: criteria provided, single submitter. Criteria: ACMG Guidelines, 2015. Collection method: clinical testing. Allele origin: germline.
Comment: This variant is classified as likely benign based on ACMG/AMP sequence variant interpretation guidelines (Richards et al. 2015 PMID: 25741868, with internal and published modifications).